The following is an entry in ClinVar:

NM_001267550.2(TTN):c.66491A>T (p.Lys22164Ile)

Genes: TTN (titin; minus strand), TTN-AS1 (TTN antisense RNA 1; plus strand). Cytogenetic location: 2q31.2.
Variant type: single nucleotide variant.
Coding change: c.66491A>T on transcript NM_001267550.2 (MANE Select); coding-DNA position 66491, A replaced by T.
Protein change: p.Lys22164Ile; replaces lysine 22164 with isoleucine.
Molecular consequence: missense variant.
Genome position (GRCh38, 1-based): chr2:178,581,777, T>A on the plus strand (A>T on the coding strand, the complement: TTN is on the minus strand). VCF-style: chr2-178581777-T-A. GRCh37 (hg19) VCF-style: chr2-179446504-T-A.
Other names: c.39296A>T, p.Lys13099Ile (NM_003319.4); c.39671A>T, p.Lys13224Ile (NM_133432.3); c.39872A>T, p.Lys13291Ile (NM_133437.4); c.61568A>T, p.Lys20523Ile (NM_001256850.1); c.58787A>T, p.Lys19596Ile (NM_133378.4); short protein forms K19596I, K22164I, K20523I, K13099I, K13224I, K13291I.
Identifiers: ClinVar variation 165887 (VCV000165887.20), dbSNP rs371081043, ClinGen allele CA178593.

ClinVar aggregate classification (germline): Conflicting classifications of pathogenicity. Review status: criteria provided, conflicting classifications (1 of 4 stars). 11 submissions from 7 submitters: Uncertain significance (8); Benign (3). Last evaluated 2024-01-30.

Conditions:
Cardiovascular phenotype. Identifiers: MedGen CN230736.
Autosomal recessive limb-girdle muscular dystrophy type 2J (LGMDR10). Also called: MUSCULAR DYSTROPHY, LIMB-GIRDLE, AUTOSOMAL RECESSIVE 10; Limb-girdle muscular dystrophy, type 2J. Identifiers: Orphanet 140922, MedGen C1837342, MONDO:0012127, OMIM 608807.
Dilated cardiomyopathy 1G (CMD1G). Identifiers: Orphanet 154, MedGen C1858763, MONDO:0011400, OMIM 604145.
Early-onset myopathy with fatal cardiomyopathy (CMYO5). Also called: CONGENITAL MYOPATHY 5 WITH CARDIOMYOPATHY; Salih Myopathy. Identifiers: Orphanet 289377, MedGen C2673677, MONDO:0012714, OMIM 611705. Disease mechanism: loss of function.
Myopathy, myofibrillar, 9, with early respiratory failure (MFM9). Also called: Myopathy, distal, with early respiratory failure, autosomal dominant; EDSTROM MYOPATHY; MYOPATHY, PROXIMAL, WITH EARLY RESPIRATORY MUSCLE INVOLVEMENT; Hereditary myopathy with early respiratory failure. Identifiers: Orphanet 178464, Orphanet 34521, MedGen C1863599, MONDO:0011362, OMIM 603689.
Tibial muscular dystrophy (TMD). Also called: Tibial muscular dystrophy, tardive; Udd Distal Myopathy – Tibial Muscular Dystrophy; UDD MYOPATHY. Identifiers: Orphanet 609, MedGen C1838244, MONDO:0010870, OMIM 600334.

Allele frequency attached by ClinVar (database versions not stated): gnomAD 0.00015 and 0.00016; ESP Exome Variant Server 0.00017; TOPMed 0.00020.
gnomAD v4.1: 49 of 1,600,888 alleles (0.0031%); highest among the groups gnomAD compares: African/African-American, 0.062%; no homozygotes.

Submissions (11):

Revvity Omics, Revvity
Classification: Uncertain significance. Last evaluated: 2024-01-30. Review status: criteria provided, single submitter. Criteria: ACMG Guidelines, 2015. Collection method: clinical testing. Allele origin: germline.

Ambry Genetics
Classification: Benign for Cardiovascular phenotype. Last evaluated: 2023-09-26. Review status: criteria provided, single submitter. Criteria: Ambry Variant Classification Scheme 2023. Collection method: clinical testing. Allele origin: germline.

Eurofins Ntd Llc (ga)
Classification: Uncertain significance. Last evaluated: 2018-06-01. Review status: criteria provided, single submitter. Criteria: EGL ClinVar v180209 classification definitions. Collection method: clinical testing. Allele origin: germline. Observed: 1 variant allele, 1 heterozygote.

GeneDx
Classification: Uncertain significance. Last evaluated: 2017-07-11. Review status: criteria provided, single submitter. Criteria: GeneDx Variant Classification (06012015). Collection method: clinical testing. Allele origin: germline. Affected: yes.
Comment: A variant of uncertain significance has been identified in the TTN gene. The c.61568 A>T (K20523I) variant has not been published as pathogenic or been reported as benign to our knowledge. This variant was observed in 5/7,594 (0.07%) alleles from individuals of African ancestry in the Exome Aggregation Consortium (Lek et al., 2016).The c.61568 A>T (K20523I) substitution occurs at a nucleotide position that is conserved across species. In silico splicing algorithms predict this variant creates a cryptic splice acceptor site 30bp downstream of the natural splice acceptor site in exon 266 of the TTN gene; however, in the absence of functional mRNA studies, the physiological consequence of this variant on splicing cannot be precisely determined. At the protein level, the c.61568 A>T (K20523I) variant is a non-conservative amino acid substitution, which is likely to impact secondary protein structure as these residues differ in polarity, charge, size and/or other properties. Moreover, this substitution occurs at an amino acid position that is conserved across species, and in silico analysis predicts this variant is probably damaging to the protein structure/function.

Illumina Laboratory Services, Illumina
Classification: Benign for Myopathy, myofibrillar, 9, with early respiratory failure. Last evaluated: 2017-05-15. Review status: criteria provided, single submitter. Criteria: ICSL Variant Classification Criteria 13 December 2019. Collection method: clinical testing. Allele origin: germline.
Comment: This variant was observed as part of a predisposition screen in an ostensibly healthy population. A literature search was performed for the gene, cDNA change, and amino acid change (where applicable). No publications were found based on this search. Allele frequency data from public databases was too high to be consistent with this variant causing disease. Therefore, this variant is classified as benign.

Illumina Laboratory Services, Illumina
Classification: Benign for Tibial muscular dystrophy. Last evaluated: 2017-05-15. Review status: criteria provided, single submitter. Criteria: ICSL Variant Classification Criteria 13 December 2019. Collection method: clinical testing. Allele origin: germline.
Comment: the same text as in the submission from Illumina Laboratory Services, Illumina above.

Illumina Laboratory Services, Illumina
Classification: Uncertain significance for Autosomal recessive limb-girdle muscular dystrophy type 2J. Last evaluated: 2017-04-28. Review status: criteria provided, single submitter. Criteria: ICSL Variant Classification Criteria 13 December 2019. Collection method: clinical testing. Allele origin: germline.

Illumina Laboratory Services, Illumina
Classification: Uncertain significance for Dilated cardiomyopathy 1G. Last evaluated: 2017-04-28. Review status: criteria provided, single submitter. Criteria: ICSL Variant Classification Criteria 13 December 2019. Collection method: clinical testing. Allele origin: germline.

Illumina Laboratory Services, Illumina
Classification: Uncertain significance for Early-onset myopathy with fatal cardiomyopathy. Last evaluated: 2017-04-28. Review status: criteria provided, single submitter. Criteria: ICSL Variant Classification Criteria 13 December 2019. Collection method: clinical testing. Allele origin: germline.

Labcorp Genetics (formerly Invitae), Labcorp
Classification: Uncertain significance for Dilated cardiomyopathy 1G; Autosomal recessive limb-girdle muscular dystrophy type 2J. Last evaluated: 2017-04-18. Review status: criteria provided, single submitter. Criteria: Invitae Variant Classification Sherloc (09022015). Collection method: clinical testing. Allele origin: germline.

Laboratory for Molecular Medicine, Mass General Brigham Personalized Medicine
Classification: Uncertain significance. Last evaluated: 2013-10-31. Review status: criteria provided, single submitter. Criteria: LMM Criteria. Collection method: clinical testing. Allele origin: germline. Observed: 2 variant alleles.
Comment: The Lys19596Ile variant in TTN has not been reported in individuals with cardiom yopathy. It has been identified in 2/3696 African American chromosomes by the NH LBI Exome Sequencing Project. Computational analyses (biochemical amino acid properties, conservation, AlignGVGD, PolyPhen2, and SIFT) do not provide strong support for or against an impact to the protein . Additional information is needed to fully assess the clinical significance of the Lys19596Ile variant.